The following is an entry in ClinVar:

ClinVar aggregate classification (germline): Likely pathogenic (1 of 4 stars; one submission).

Conditions:
Chronic obstructive pulmonary disease. Also called: Chronic pulmonary obstruction. Identifiers: MedGen C0024117, MeSH D029424, MONDO:0005002, OMIM 606963, HP:0006510.
Heme oxygenase 1 deficiency (HMOX1D). Identifiers: Orphanet 562509, MedGen C1841651, MONDO:0013536, OMIM 614034.

Submission:

Juno Genomics, Hangzhou Juno Genomics, Inc
Classification: Likely pathogenic for Chronic obstructive pulmonary disease; Heme oxygenase 1 deficiency. Review status: criteria provided, single submitter. Criteria: ACMG Guidelines, 2015. Collection method: clinical testing. Allele origin: germline. Affected: yes.
Comment: Absent from controls (or at extremely low frequency if recessive) in Genome Aggregation Database, Exome Sequencing Project, 1000 Genomes Project, or Exome Aggregation Consortium.;Null variant in a gene where loss of function (LOF) is a known mechanism of disease.

NM_002133.3(HMOX1):c.546C>A (p.Tyr182Ter)

Gene: HMOX1 (heme oxygenase 1; plus strand). Cytogenetic location: 22q12.3.
Variant type: single nucleotide variant.
Coding change: c.546C>A on transcript NM_002133.3 (MANE Select); coding-DNA position 546, C replaced by A.
Protein change: p.Tyr182Ter; replaces tyrosine 182 with a stop codon.
Molecular consequence: nonsense.
Genome position (GRCh38, 1-based): chr22:35,387,086, C>A. VCF-style: chr22-35387086-C-A. GRCh37 (hg19) VCF-style: chr22-35783079-C-A.
Other names: short protein forms Y182*.
Identifiers: ClinVar variation 4796619 (VCV004796619.1).
Genomic context (GRCh38, chr22:35,387,086, plus strand): 5'-GGGCCTGGCCTTCTTCACCTTCCCCAACATTGCCAGTGCCACCAAGTTCAAGCAGCTCTA[C>A]CGCTCCCGCATGAACTCCCTGGAGATGACTCCCGCAGTCAGGCAGAGGGTGATAGAAGAG-3'